The following is an entry in ClinVar:

NM_004994.3(MMP9):c.943G>T (p.Ala315Ser)

Gene: MMP9 (matrix metallopeptidase 9; plus strand). Cytogenetic location: 20q13.12.
Variant type: single nucleotide variant.
Coding change: c.943G>T on transcript NM_004994.3 (MANE Select); coding-DNA position 943, G replaced by T.
Protein change: p.Ala315Ser; replaces alanine 315 with serine.
Molecular consequence: missense variant.
Genome position (GRCh38, 1-based): chr20:46,011,693, G>T. VCF-style: chr20-46011693-G-T. GRCh37 (hg19) VCF-style: chr20-44640332-G-T.
Other names: short protein forms A315S.
Identifiers: ClinVar variation 1039885 (VCV001039885.8), dbSNP rs746936147, ClinGen allele CA9886564.

ClinVar aggregate classification (germline): Uncertain significance (1 of 4 stars; one submission).

Allele frequency attached by ClinVar (database versions not stated): ExAC 0.00001.

Submission:

Labcorp Genetics (formerly Invitae), Labcorp
Classification: Uncertain significance. Last evaluated: 2022-02-24. Review status: criteria provided, single submitter. Criteria: Invitae Variant Classification Sherloc (09022015). Collection method: clinical testing. Allele origin: germline.
Comment: Algorithms developed to predict the effect of missense changes on protein structure and function (SIFT, PolyPhen-2, Align-GVGD) all suggest that this variant is likely to be tolerated. ClinVar contains an entry for this variant (Variation ID: 1039885). This variant has not been reported in the literature in individuals affected with MMP9-related conditions. This variant is present in population databases (rs746936147, gnomAD 0.003%). This sequence change replaces alanine, which is neutral and non-polar, with serine, which is neutral and polar, at codon 315 of the MMP9 protein (p.Ala315Ser). In summary, the available evidence is currently insufficient to determine the role of this variant in disease. Therefore, it has been classified as a Variant of Uncertain Significance.